The following is an entry in ClinVar:

NM_000069.3(CACNA1S):c.4237G>C (p.Ala1413Pro)

Gene: CACNA1S (calcium voltage-gated channel subunit alpha1 S; minus strand). Cytogenetic location: 1q32.1.
Variant type: single nucleotide variant.
Coding change: c.4237G>C on transcript NM_000069.3 (MANE Select); coding-DNA position 4237, G replaced by C.
Protein change: p.Ala1413Pro; replaces alanine 1413 with proline.
Molecular consequence: missense variant.
Genome position (GRCh38, 1-based): chr1:201,050,393, C>G on the plus strand (G>C on the coding strand, the complement: CACNA1S is on the minus strand). VCF-style: chr1-201050393-C-G. GRCh37 (hg19) VCF-style: chr1-201019521-C-G.
Other names: short protein forms A1413P.
Identifiers: ClinVar variation 3072012 (VCV003072012.1), dbSNP rs1382046589, ClinGen allele CA344147475.

ClinVar aggregate classification (germline): Uncertain significance (1 of 4 stars; one submission).

Conditions:
Malignant hyperthermia, susceptibility to, 5 (MHS5). Also called: CACNA1S-Related Malignant Hyperthermia Susceptibility. Identifiers: Orphanet 423, MedGen C1866077, MONDO:0011163, OMIM 601887.

Allele frequency attached by ClinVar (database versions not stated): TOPMed below 0.00001.

Submission:

All of Us Research Program, National Institutes of Health
Classification: Uncertain significance for Malignant hyperthermia, susceptibility to, 5. Last evaluated: 2023-06-26. Review status: criteria provided, single submitter. Criteria: ACMG Guidelines, 2015. Collection method: clinical testing. Allele origin: germline. Inheritance: Autosomal dominant inheritance. Observed: 1 variant allele, 1 heterozygote.
Comment: This missense variant replaces alanine with proline at codon 1413 of the CACNA1S protein. Computational prediction is inconclusive regarding the impact of this variant on protein structure and function (internally defined REVEL score threshold 0.5 < inconclusive < 0.7, PMID: 27666373). To our knowledge, functional studies have not been reported for this variant. This variant has not been reported in individuals affected with CACNA1S-related disorders in the literature. This variant has not been identified in the general population by the Genome Aggregation Database (gnomAD). The available evidence is insufficient to determine the role of this variant in disease conclusively. Therefore, this variant is classified as a Variant of Uncertain Significance.

This study involves interpretation of variants in research participants for the purpose of population health screening. Participant phenotype was not available at the time of variant classification. Additional details can be found in publication PMID: 35346344, PMCID: PMC8962531